The following is an entry in ClinVar:

ClinVar aggregate classification (germline): Uncertain significance. Review status: criteria provided, multiple submitters, no conflicts (2 of 4 stars). 3 submissions from 3 submitters: Uncertain significance (3). Last evaluated 2025-12-16.

Conditions:
Monosomy 7 myelodysplasia and leukemia syndrome 2. Identifiers: MedGen C5436668, MONDO:0030801, OMIM 619041.
MIRAGE syndrome. Also called: MYELODYSPLASIA, INFECTION, RESTRICTION OF GROWTH, ADRENAL HYPOPLASIA, GENITAL PHENOTYPES, AND ENTEROPATHY. Identifiers: Orphanet 494433, MedGen C4284088, MONDO:0014888, OMIM 617053.
Normophosphatemic familial tumoral calcinosis. Also called: CALCINOSIS, TUMORAL, WITH NORMOPHOSPHATEMIA. Identifiers: Orphanet 306658, Orphanet 53715, MedGen C1864861, MONDO:0012502, OMIM 610455.

Submissions (3):

Labcorp Genetics (formerly Invitae), Labcorp
Classification: Uncertain significance. Last evaluated: 2025-12-16. Review status: criteria provided, single submitter. Criteria: Invitae Variant Classification Sherloc (09022015). Collection method: clinical testing. Allele origin: germline.
Comment: This sequence change creates a premature translational stop signal (p.Asn10Ilefs*10) in the SAMD9 gene. While this is not anticipated to result in nonsense mediated decay, it is expected to disrupt the last 1580 amino acid(s) of the SAMD9 protein. This variant is present in population databases (no rsID available, gnomAD 0.002%). This variant has not been reported in the literature in individuals affected with SAMD9-related conditions. ClinVar contains an entry for this variant (Variation ID: 1506133). In summary, the available evidence is currently insufficient to determine the role of this variant in disease. Therefore, it has been classified as a Variant of Uncertain Significance.

GeneDx
Classification: Uncertain significance. Last evaluated: 2024-07-31. Review status: criteria provided, single submitter. Criteria: GeneDx Variant Classification Process June 2021. Collection method: clinical testing. Allele origin: germline. Affected: yes.
Comment: Frameshift variant predicted to result in abnormal protein length as the last 1580 amino acids are replaced with 9 different amino acids in a gene for which loss-of-function is not an established mechanism of disease; Has not been previously published as pathogenic or benign to our knowledge; Not observed at significant frequency in large population cohorts (gnomAD)

Fulgent Genetics
Classification: Uncertain significance for Normophosphatemic familial tumoral calcinosis; MIRAGE syndrome; Monosomy 7 myelodysplasia and leukemia syndrome 2. Last evaluated: 2021-07-16. Review status: criteria provided, single submitter. Criteria: ACMG Guidelines, 2015. Collection method: clinical testing. Allele origin: unknown.

NM_017654.4(SAMD9):c.29del (p.Asn10fs)

Gene: SAMD9 (sterile alpha motif domain containing 9; minus strand). Cytogenetic location: 7q21.2.
Variant type: Deletion.
Coding change: c.29del on transcript NM_017654.4 (MANE Select); coding-DNA position 29, one base deleted (A; older notation c.29delA).
Protein change: p.Asn10fs; shifts the reading frame from asparagine 10.
Molecular consequence: frameshift variant.
Genome position (GRCh38, 1-based): chr7:93,106,069, T deleted on the plus strand (A on the coding strand, the reverse complement: SAMD9 is on the minus strand); the first of 4 consecutive T bases (chr7:93,106,069-93,106,072); deleting any one gives the same sequence. VCF-style (leftmost placement, unchanged base first): chr7-93106068-AT-A. GRCh37 (hg19) VCF-style: chr7-92735381-AT-A.
Other names: c.29del (NM_017654.3); c.29del, p.Asn10fs (NM_001193307.2); short protein forms N10fs.
Identifiers: ClinVar variation 1506133 (VCV001506133.7), dbSNP rs1356051307, ClinGen allele CA576706806.